The following is an entry in ClinVar:

NM_007294.4(BRCA1):c.5408G>A (p.Gly1803Asp)

Gene: BRCA1 (BRCA1 DNA repair associated; minus strand). Cytogenetic location: 17q21.31.
Variant type: single nucleotide variant.
Coding change: c.5408G>A on transcript NM_007294.4 (MANE Select); coding-DNA position 5408, G replaced by A.
Protein change: p.Gly1803Asp; replaces glycine 1803 with aspartic acid.
Molecular consequence: missense variant. On other transcripts: synonymous variant (17).
Genome position (GRCh38, 1-based): chr17:43,047,702, C>T on the plus strand (G>A on the coding strand, the complement: BRCA1 is on the minus strand). VCF-style: chr17-43047702-C-T. GRCh37 (hg19) VCF-style: chr17-41199719-C-T.
Other names: c.5195G>A, p.Gly1732Asp (NM_001407571.1, NM_001407894.1, NM_001407895.1 and 12 more transcripts); c.5474G>A, p.Gly1825Asp (NM_001407581.1, NM_001407582.1); c.5471G>A, p.Gly1824Asp (NM_001407583.1, NM_001407585.1, NM_001407587.1 and 1 more transcripts); c.5468G>A, p.Gly1823Asp (NM_001407590.1, NM_001407591.1); c.5408G>A, p.Gly1803Asp (NM_001407593.1, NM_001407594.1, NM_001407596.1 and 5 more transcripts); c.5405G>A, p.Gly1802Asp (NM_001407610.1, NM_001407611.1, NM_001407612.1 and 14 more transcripts); c.5402G>A, p.Gly1801Asp (NM_001407627.1, NM_001407628.1, NM_001407629.1 and 13 more transcripts); c.5399G>A, p.Gly1800Asp (NM_001407644.1, NM_001407645.1); and 83 more; short protein forms G1803D, G699D, G1756D, G1824D, G1634D, G1719D, G1731D, G1734D.
Identifiers: ClinVar variation 868461 (VCV000868461.13), dbSNP rs80357149, ClinGen allele CA10590654.

ClinVar aggregate classification (germline): Uncertain significance. Review status: criteria provided, multiple submitters, no conflicts (2 of 4 stars). 3 submissions from 3 submitters: Uncertain significance (3). Last evaluated 2023-10-19.

Conditions:
Hereditary breast ovarian cancer syndrome. Also called: Hereditary breast and ovarian cancer; Hereditary breast and ovarian cancer syndrome (HBOC); Breast and ovarian cancer; Hereditary breast and/or ovarian cancer syndrome; BRCA1- and BRCA2-Associated Hereditary Breast and Ovarian Cancer; Hereditary breast and ovarian cancer syndrome. Identifiers: Orphanet 145, MedGen C0677776, MeSH D061325, MONDO:0003582. Disease mechanism: loss of function.
Hereditary cancer-predisposing syndrome. Also called: Neoplastic Syndromes, Hereditary; Tumor predisposition; Hereditary Cancer Syndrome; Hereditary neoplastic syndrome. Identifiers: Orphanet 140162, MedGen C0027672, MeSH D009386, MONDO:0015356.

Allele frequency attached by ClinVar (database versions not stated): TOPMed below 0.00001; gnomAD 0.00001.
gnomAD v4.1: 1 of 1,614,040 alleles (0.000062%); highest among the groups gnomAD compares: East Asian, 0.0022%; no homozygotes.

Submissions (4):

Ambry Genetics
Classification: Uncertain significance for Hereditary cancer-predisposing syndrome. Last evaluated: 2023-10-19. Review status: criteria provided, single submitter. Criteria: Ambry Variant Classification Scheme 2023. Collection method: clinical testing. Allele origin: germline.
Comment: The p.G1803D variant (also known as c.5408G>A), located in coding exon 21 of the BRCA1 gene, results from a G to A substitution at nucleotide position 5408. The glycine at codon 1803 is replaced by aspartic acid, an amino acid with similar properties. One functional study found that this nucleotide substitution had an intermediate effect on function in a high throughput genome editing haploid cell survival assay (Findlay GM et al. Nature, 2018 Oct;562:217-222). This amino acid position is not well conserved in available vertebrate species. In addition, the in silico prediction for this alteration is inconclusive. Since supporting evidence is limited at this time, the clinical significance of this alteration remains unclear.

Labcorp Genetics (formerly Invitae), Labcorp
Classification: Uncertain significance for Hereditary breast ovarian cancer syndrome. Last evaluated: 2022-06-29. Review status: criteria provided, single submitter. Criteria: Invitae Variant Classification Sherloc (09022015). Collection method: clinical testing. Allele origin: germline.
Comment: Algorithms developed to predict the effect of missense changes on protein structure and function output the following: SIFT: "Tolerated"; PolyPhen-2: "Benign"; Align-GVGD: "Class C0". The aspartic acid amino acid residue is found in multiple mammalian species, which suggests that this missense change does not adversely affect protein function. In summary, the available evidence is currently insufficient to determine the role of this variant in disease. Therefore, it has been classified as a Variant of Uncertain Significance. Experimental studies are conflicting or provide insufficient evidence to determine the effect of this variant on BRCA1 function (PMID: 30209399). ClinVar contains an entry for this variant (Variation ID: 868461). This variant has not been reported in the literature in individuals affected with BRCA1-related conditions. This variant is not present in population databases (gnomAD no frequency). This sequence change replaces glycine, which is neutral and non-polar, with aspartic acid, which is acidic and polar, at codon 1803 of the BRCA1 protein (p.Gly1803Asp).

Women's Health and Genetics/Laboratory Corporation of America, LabCorp
Classification: Uncertain significance. Last evaluated: 2021-07-31. Review status: criteria provided, single submitter. Criteria: LabCorp Variant Classification Summary - May 2015. Collection method: clinical testing. Allele origin: germline.
Comment: Variant summary: BRCA1 c.5408G>A (p.Gly1803Asp) results in a non-conservative amino acid change located in the BRCT domain (IPR001357) of the encoded protein sequence. Three of five in-silico tools predict a benign effect of the variant on protein function. The variant also alters the second non-conserved exonic coding nucleotide located close to the intronic splice acceptor site. 4/4 computational tools predict no significant impact on normal splicing. However, these predictions have yet to be confirmed by functional studies. The variant was absent in 251482 control chromosomes. To our knowledge, no occurrence of c.5408G>A in individuals affected with Hereditary Breast And Ovarian Cancer Syndrome has been reported. At least one publication reports experimental evidence evaluating an impact on protein function. The most pronounced variant effect results in intermediate levels of homology directed repair (HDR) activity (example, Findlay_2018). No clinical diagnostic laboratories have submitted clinical-significance assessments for this variant to ClinVar after 2014. Based on the evidence outlined above, the variant was classified as VUS-possibly pathogenic.

Brotman Baty Institute, University of Washington
No classification provided (evidence only). Condition: Breast-ovarian cancer, familial 1. Review status: no classification provided. Collection method: in vitro. Allele origin: not applicable. Functional consequence: function_uncertain_variant. Not counted in ClinVar's aggregate classification.
ClinVar note: "not provided" was previously submitted as the classification for the variant. However, the classification appeared to be based only on an observation of functional data so it was converted to no classification on 2025-07-30.

Literature cited by the submitters: PubMed 30209399 (cited by 3 submitters); PubMed 31467430 (cited by Women's Health and Genetics/Laboratory Corporation of America, LabCorp).